The following is an entry in ClinVar:

ClinVar aggregate classification (germline): Uncertain significance. Review status: criteria provided, multiple submitters, no conflicts (2 of 4 stars). 2 submissions from 2 submitters: Uncertain significance (2). Last evaluated 2024-12-02.

Conditions:
Combined immunodeficiency due to ZAP70 deficiency (IMD48). Also called: ZAP70 Deficiency; Immunodeficiency 48. Identifiers: Orphanet 911, MedGen C2931299, MONDO:0010023, OMIM 269840.

Allele frequency attached by ClinVar (database versions not stated): gnomAD exomes 0.00001; TOPMed below 0.00001; ExAC 0.00001.
gnomAD v4.1: 4 of 1,613,604 alleles (0.00025%); highest among the groups gnomAD compares: Admixed American, 0.0067%; no homozygotes.

Submissions (2):

Labcorp Genetics (formerly Invitae), Labcorp
Classification: Uncertain significance for Combined immunodeficiency due to ZAP70 deficiency. Last evaluated: 2024-12-02. Review status: criteria provided, single submitter. Criteria: Invitae Variant Classification Sherloc (09022015). Collection method: clinical testing. Allele origin: germline.
Comment: This sequence change replaces serine, which is neutral and polar, with asparagine, which is neutral and polar, at codon 610 of the ZAP70 protein (p.Ser610Asn). This variant is present in population databases (rs770287572, gnomAD 0.009%). This variant has not been reported in the literature in individuals affected with ZAP70-related conditions. ClinVar contains an entry for this variant (Variation ID: 1948362). An algorithm developed to predict the effect of missense changes on protein structure and function (PolyPhen-2) suggests that this variant¬†is likely to be tolerated. In summary, the available evidence is currently insufficient to determine the role of this variant in disease. Therefore, it has been classified as a Variant of Uncertain Significance.

Blueprint Genetics
Classification: Uncertain significance. Last evaluated: 2023-02-06. Review status: criteria provided, single submitter. Criteria: ACMG Guidelines, 2015. Collection method: clinical testing. Allele origin: germline.

NM_001079.4(ZAP70):c.1829G>A (p.Ser610Asn)

Gene: ZAP70 (zeta chain of T cell receptor associated protein kinase 70; plus strand). Cytogenetic location: 2q11.2.
Variant type: single nucleotide variant.
Coding change: c.1829G>A on transcript NM_001079.4 (MANE Select); coding-DNA position 1829, G replaced by A.
Protein change: p.Ser610Asn; replaces serine 610 with asparagine.
Molecular consequence: missense variant.
Genome position (GRCh38, 1-based): chr2:97,739,467, G>A. VCF-style: chr2-97739467-G-A. GRCh37 (hg19) VCF-style: chr2-98355930-G-A.
Other names: c.1829G>A, p.Ser610Asn (NM_001378594.1); c.908G>A, p.Ser303Asn (NM_207519.2); short protein forms S303N, S610N.
Identifiers: ClinVar variation 1948362 (VCV001948362.5), dbSNP rs770287572, ClinGen allele CA1790584.
Genomic context (GRCh38, chr2:97,739,467, plus strand): 5'-AGCAGCGCATGCGAGCCTGTTACTACAGCCTGGCCAGCAAGGTGGAAGGGCCCCCAGGCA[G>A]CACACAGAAGGCTGAGGCTGCCTGTGCCTGAGCTCCCGCTGCCCAGGGGAGCCCTCCACG-3'
Protein context (NP_001070.2, residues 600-619): LASKVEGPPG[Ser610Asn]TQKAEAACA